The following is an entry in ClinVar:

NM_000784.4(CYP27A1):c.1188C>G (p.Leu396=)

Gene: CYP27A1 (cytochrome P450 family 27 subfamily A member 1; plus strand). Cytogenetic location: 2q35.
Variant type: single nucleotide variant.
Coding change: c.1188C>G on transcript NM_000784.4 (MANE Select); coding-DNA position 1188, C replaced by G.
Protein change: p.Leu396=; no amino-acid change (leucine 396 retained).
Molecular consequence: synonymous variant.
Genome position (GRCh38, 1-based): chr2:218,814,383, C>G. VCF-style: chr2-218814383-C-G. GRCh37 (hg19) VCF-style: chr2-219679106-C-G.
Identifiers: ClinVar variation 4993225 (VCV004993225.1).

ClinVar aggregate classification (germline): Likely benign (1 of 4 stars; one submission).

Conditions:
CYP27A1-related disorder. Also called: CYP27A1-related condition.

gnomAD v4.1: 1 of 1,614,184 alleles (0.000062%); highest among the groups gnomAD compares: South Asian, 0.0011%; no homozygotes.

Submission:

PreventionGenetics, part of Exact Sciences
Classification: Likely benign for CYP27A1-related condition. Last evaluated: 2025-09-03. Review status: criteria provided, single submitter. Criteria: ACMG Guidelines, 2015. Collection method: clinical testing. Allele origin: germline.
Comment: This variant is classified as likely benign based on ACMG/AMP sequence variant interpretation guidelines (Richards et al. 2015 PMID: 25741868, with internal and published modifications).